The following is an entry in ClinVar:

NM_020297.4(ABCC9):c.3357G>A (p.Leu1119=)

Gene: ABCC9 (ATP binding cassette subfamily C member 9; minus strand). Cytogenetic location: 12p12.1.
Variant type: single nucleotide variant.
Coding change: c.3357G>A on transcript NM_020297.4 (MANE Select); coding-DNA position 3357, G replaced by A.
Protein change: p.Leu1119=; no amino-acid change (leucine 1119 retained).
Molecular consequence: synonymous variant.
Genome position (GRCh38, 1-based): chr12:21,842,430, C>T on the plus strand (G>A on the coding strand, the complement: ABCC9 is on the minus strand). VCF-style: chr12-21842430-C-T. GRCh37 (hg19) VCF-style: chr12-21995364-C-T.
Other names: c.3357G>A, p.Leu1119= (NM_001377273.1, NM_005691.4); c.2490G>A, p.Leu830= (NM_001377274.1).
Identifiers: ClinVar variation 510652 (VCV000510652.27), dbSNP rs2287626, ClinGen allele CA6481119.
Genomic context (GRCh38, chr12:21,842,430, plus strand): 5'-GAGAGCAACCAGGAACACAGGAGTAGCATAAGAAATCATCCCAATGGCAGACAGGCAGAG[C>T]AGTGTTGAGCGAGTTAGAGATTCCAAGGTTGGAGGGATGTGCTATTAGGGTAGTTTAAAA-3'
Protein context (NP_064693.2, residues 1109-1129): PTLESLTRST[Leu1119=]LCLSAIGMIS

ClinVar aggregate classification (germline): Conflicting classifications of pathogenicity. Review status: criteria provided, conflicting classifications (1 of 4 stars). 9 submissions from 8 submitters: Uncertain significance (2); Benign (3); Likely benign (4). Last evaluated 2026-02-03.

Conditions:
Cardiovascular phenotype. Identifiers: MedGen CN230736.
Cardiomyopathy (CMYO). Also called: Cardiomyopathies. Identifiers: Orphanet 167848, MedGen C0878544, MONDO:0004994, HP:0001638. Inheritance: Various modes of inheritance.
Dilated cardiomyopathy 1O (CMD1O). Also called: CARDIOMYOPATHY, DILATED, WITH VENTRICULAR TACHYCARDIA. Identifiers: Orphanet 154, MedGen C1837839, MONDO:0012062, OMIM 608569.
Hypertrichotic osteochondrodysplasia Cantu type. Also called: Cantú Syndrome; Cantu Syndrome. Identifiers: Orphanet 1517, MedGen C0795905, MONDO:0009406, OMIM 239850.

Allele frequency attached by ClinVar (database versions not stated): gnomAD 0.00003; TOPMed 0.00015; gnomAD exomes 0.00018 and 0.00073; ExAC 0.00024; 1000 Genomes Project 30x 0.00094; 1000 Genomes Project 0.00120.
gnomAD v4.1: 1,082 of 1,614,126 alleles (0.067%); highest among the groups gnomAD compares: East Asian, 2.4%; 26 homozygotes.

Submissions (9):

Labcorp Genetics (formerly Invitae), Labcorp
Classification: Benign for Dilated cardiomyopathy 1O. Last evaluated: 2026-02-03. Review status: criteria provided, single submitter. Criteria: Invitae Variant Classification Sherloc (09022015). Collection method: clinical testing. Allele origin: germline.

ARUP Laboratories, Molecular Genetics and Genomics, ARUP Laboratories
Classification: Benign. Last evaluated: 2025-04-11. Review status: criteria provided, single submitter. Criteria: ARUP Molecular Germline Variant Investigation Process 2024. Collection method: clinical testing. Allele origin: germline.

Blueprint Genetics
Classification: Likely benign. Last evaluated: 2024-09-18. Review status: criteria provided, single submitter. Criteria: ACMG Guidelines, 2015. Collection method: clinical testing. Allele origin: germline.

Women's Health and Genetics/Laboratory Corporation of America, LabCorp
Classification: Benign. Last evaluated: 2023-05-16. Review status: criteria provided, single submitter. Criteria: LabCorp Variant Classification Summary - May 2015. Collection method: clinical testing. Allele origin: germline.
Comment: Variant summary: ABCC9 c.3357G>A alters a conserved nucleotide resulting in a synonymous change. The variant allele was found at a frequency of 0.00018 in 251396 control chromosomes, predominantly at a frequency of 0.0023 within the East Asian subpopulation in the gnomAD database. The observed variant frequency within East Asian control individuals in the gnomAD database is approximately 150 fold of the estimated maximal expected allele frequency for a pathogenic variant in ABCC9 causing Dilated Cardiomyopathy phenotype (1.6e-05), strongly suggesting that the variant is a benign polymorphism found primarily in populations of East Asian origin. To our knowledge, no occurrence of c.3357G>A in individuals affected with Dilated Cardiomyopathy and no experimental evidence demonstrating its impact on protein function have been reported. Five clinical diagnostic laboratories have submitted clinical-significance assessments for this variant to ClinVar after 2014 and classified as Benign (n=1), Likely Benign (n=3) and VUS (n=1). Based on the evidence outlined above, the variant was classified as benign.

GeneDx
Classification: Likely benign. Last evaluated: 2018-07-13. Review status: criteria provided, single submitter. Criteria: GeneDx Variant Classification Process June 2021. Collection method: clinical testing. Allele origin: germline. Affected: yes.
Comment: This variant is associated with the following publications: (PMID: 20474083)

Illumina Laboratory Services, Illumina
Classification: Uncertain significance for Dilated cardiomyopathy 1O. Last evaluated: 2018-01-13. Review status: criteria provided, single submitter. Criteria: ICSL Variant Classification Criteria 13 December 2019. Collection method: clinical testing. Allele origin: germline.

Illumina Laboratory Services, Illumina
Classification: Uncertain significance for Hypertrichotic osteochondrodysplasia Cantu type. Last evaluated: 2018-01-13. Review status: criteria provided, single submitter. Criteria: ICSL Variant Classification Criteria 13 December 2019. Collection method: clinical testing. Allele origin: germline.

Ambry Genetics
Classification: Likely benign for Cardiovascular phenotype. Last evaluated: 2017-05-16. Review status: criteria provided, single submitter. Criteria: Ambry Variant Classification Scheme 2023. Collection method: clinical testing. Allele origin: germline.

CHEO Genetics Diagnostic Laboratory, Children's Hospital of Eastern Ontario
Classification: Likely benign for Cardiomyopathy. Last evaluated: 2015-11-06. Review status: criteria provided, single submitter. Criteria: ACMG Guidelines, 2015. Collection method: clinical testing. Allele origin: germline. Study: Canadian Open Genetics Repository.